The following is an entry in ClinVar:

NM_000016.6(ACADM):c.74_75del (p.Thr25fs)

Gene: ACADM (acyl-CoA dehydrogenase medium chain; plus strand). Cytogenetic location: 1p31.1.
Variant type: Deletion.
Coding change: c.74_75del on transcript NM_000016.6 (MANE Select); coding-DNA positions 74 to 75, 2 bases deleted (CA; older notation c.74_75delCA).
Protein change: p.Thr25fs; shifts the reading frame from threonine 25.
Molecular consequence: frameshift variant. On other transcripts: intron variant (2).
Genome position (GRCh38, 1-based): chr1:75,728,444-75,728,445, CA deleted; deleting any 2 consecutive bases within chr1:75,728,443-75,728,445 gives the same sequence; the c. name uses the placement nearest the transcript's 3' end. VCF-style (leftmost placement, unchanged base first): chr1-75728442-TAC-T. GRCh37 (hg19) VCF-style: chr1-76194127-TAC-T.
Other names: c.86_87del, p.Thr29fs (NM_001127328.3); c.74_75del, p.Thr25fs (NM_001286043.2); c.10+3627_10+3628del (NM_001286042.2); c.-268+3627_-268+3628del (NM_001286044.2); short protein forms T29fs, T25fs.
Identifiers: ClinVar variation 3640598 (VCV003640598.2).

ClinVar aggregate classification (germline): Pathogenic (1 of 4 stars; one submission).

Conditions:
Medium-chain acyl-coenzyme A dehydrogenase deficiency (ACADMD). Also called: ACADM DEFICIENCY; MCADH DEFICIENCY; CARNITINE DEFICIENCY SECONDARY TO MEDIUM-CHAIN ACYL-CoA DEHYDROGENASE DEFICIENCY; MCADD; Medium chain acyl-CoA dehydrogenase deficiency; MCAD Deficiency. Identifiers: Orphanet 42, MedGen C0220710, MONDO:0008721, OMIM 201450.

Submission:

Labcorp Genetics (formerly Invitae), Labcorp
Classification: Pathogenic for Medium-chain acyl-coenzyme A dehydrogenase deficiency. Last evaluated: 2024-02-19. Review status: criteria provided, single submitter. Criteria: Invitae Variant Classification Sherloc (09022015). Collection method: clinical testing. Allele origin: germline.
Comment: This sequence change creates a premature translational stop signal (p.Thr25Lysfs*7) in the ACADM gene. It is expected to result in an absent or disrupted protein product. Loss-of-function variants in ACADM are known to be pathogenic (PMID: 16121256, 20434380). This variant is not present in population databases (gnomAD no frequency). This variant has not been reported in the literature in individuals affected with ACADM-related conditions. Algorithms developed to predict the effect of sequence changes on RNA splicing suggest that this variant may disrupt the consensus splice site. For these reasons, this variant has been classified as Pathogenic.

Literature cited by the submitters: PubMed 16121256; PubMed 20434380.